The following is an entry in ClinVar:

NM_024642.5(GALNT12):c.627_637del (p.Arg210fs)

Gene: GALNT12 (polypeptide N-acetylgalactosaminyltransferase 12; plus strand). Cytogenetic location: 9q22.33.
Variant type: Deletion.
Coding change: c.627_637del on transcript NM_024642.5 (MANE Select); coding-DNA positions 627 to 637, 11 bases deleted (GCGAGCCCGGC).
Protein change: p.Arg210fs; shifts the reading frame from arginine 210.
Molecular consequence: frameshift variant.
Genome position (GRCh38, 1-based): chr9:98,826,837-98,826,847, GCGAGCCCGGC deleted. VCF-style (leftmost placement, unchanged base first): chr9-98826836-TGCGAGCCCGGC-T. GRCh37 (hg19) VCF-style: chr9-101589118-TGCGAGCCCGGC-T.
Other names: short protein forms R210fs.
Identifiers: ClinVar variation 1019760 (VCV001019760.9), dbSNP rs781391307, ClinGen allele CA5154008.

ClinVar aggregate classification (germline): Uncertain significance. Review status: criteria provided, multiple submitters, no conflicts (2 of 4 stars). 2 submissions from 2 submitters: Uncertain significance (2). Last evaluated 2021-12-22.

Allele frequency attached by ClinVar (database versions not stated): gnomAD exomes below 0.00001 and 0.00001; ExAC 0.00002.

Submissions (2):

Ambry Genetics
Classification: Uncertain significance. Last evaluated: 2021-12-22. Review status: criteria provided, single submitter. Criteria: Ambry Variant Classification Scheme 2023. Collection method: clinical testing. Allele origin: germline.
Comment: The c.627_637del11 variant, located in coding exon 3 of the GALNT12 gene, results from a deletion of 11 nucleotides at nucleotide positions 627 to 637, causing a translational frameshift with a predicted alternate stop codon (p.R210Afs*19). The evidence for this gene-disease relationship is limited; therefore, the clinical significance of this alteration is unclear.

Labcorp Genetics (formerly Invitae), Labcorp
Classification: Uncertain significance. Last evaluated: 2018-03-28. Review status: criteria provided, single submitter. Criteria: Invitae Variant Classification Sherloc (09022015). Collection method: clinical testing. Allele origin: germline.
Comment: The current clinical and genetic evidence is not sufficient to establish whether loss-of-function variants in GALNT12 cause disease. This variant has not been reported in the literature in individuals with GALNT12-related disease. The frequency data for this variant in the population databases is considered unreliable, as metrics indicate poor data quality at this position in the ExAC database. This sequence change creates a premature translational stop signal (p.Arg210Alafs*19) in the GALNT12 gene. It is expected to result in an absent or disrupted protein product. In summary, the available evidence is currently insufficient to determine the role of this variant in disease. Therefore, it has been classified as a Variant of Uncertain Significance.